The following is an entry in ClinVar:

ClinVar aggregate classification (germline): Pathogenic (1 of 4 stars; one submission).

Conditions:
Bardet-Biedl syndrome 1 (BBS1). Identifiers: MedGen C2936862, MONDO:0008854, OMIM 209900. Disease mechanism: loss of function.

Submission:

Myriad Genetics, Inc.
Classification: Pathogenic for Bardet-Biedl syndrome 1. Last evaluated: 2026-01-19. Review status: criteria provided, single submitter. Criteria: Myriad Autosomal Dominant, Autosomal Recessive and X-Linked Classification Criteria (2023). Collection method: clinical testing. Allele origin: unknown.
Comment: NM_024649.4(BBS1):c.1151delA(E384Gfs*7) is expected to be pathogenic in the context of Bardet-Biedl syndrome, BBS1-related. This variant is predicted to lead to an abnormal or absent protein product due to the creation of a premature termination codon in BBS1, a gene where loss-of-function variants are known to be pathogenic. Please note: this variant was assessed in the context of healthy population screening.

NM_024649.5(BBS1):c.1151del (p.Glu384fs)

Genes: BBS1 (Bardet-Biedl syndrome 1; plus strand), ZDHHC24 (zDHHC palmitoyltransferase 24; minus strand). Cytogenetic location: 11q13.2.
Variant type: Deletion.
Coding change: c.1151del on transcript NM_024649.5 (MANE Select); coding-DNA position 1151, one base deleted (A; older notation c.1151delA).
Protein change: p.Glu384fs; shifts the reading frame from glutamic acid 384.
Molecular consequence: frameshift variant. On other transcripts: intron variant (1).
Genome position (GRCh38, 1-based): chr11:66,526,163, A deleted. VCF-style (leftmost placement, unchanged base first): chr11-66526162-GA-G. GRCh37 (hg19) VCF-style: chr11-66293633-GA-G.
Other names: c.*21+773del (NM_001348571.2); short protein forms E384fs.
Identifiers: ClinVar variation 5015445 (VCV005015445.1).